The following is an entry in ClinVar:

ClinVar aggregate classification (germline): Benign (1 of 4 stars; one submission).

Submission:

Unidad de Genómica Garrahan, Hospital de Pediatría Garrahan
Classification: Benign. Last evaluated: 2024-01-24. Review status: criteria provided, single submitter. Criteria: ACMG Guidelines, 2015. Collection method: clinical testing. Allele origin: germline. Affected: no. Observed: 31 variant alleles.
Comment: This variant is classified as Benign based on local population frequency. This variant was detected in 33% of patients studied by a panel of primary immunodeficiencies. Number of patients: 31. Only high quality variants are reported.

NC_000005.10:g.14664712G>A

Variant type: single nucleotide variant.
Genome position: GRCh38 VCF-style: chr5-14664712-G-A. GRCh37 (hg19) VCF-style: chr5-14664821-G-A.
Identifiers: ClinVar variation 2688224 (VCV002688224.2), dbSNP rs250435, ClinGen allele CA12079414.
Genomic context (GRCh38, chr5:14,664,712, plus strand): 5'-TCGCGCAGGGTCAGAGGCCGTGGGGCGGGCCACGGTGACGCGCGCGGAAGCGCTCTGCGG[G>A]CCCTCGGAAACCGCCCCGGCGGCTGAGAGGCTGCGGCCACTGCCTGGCACCCCGACGGGA-3'